The following is an entry in ClinVar:

ClinVar aggregate classification (germline): Pathogenic (1 of 4 stars; one submission).

Conditions:
Glutathione synthetase deficiency with 5-oxoprolinuria. Also called: PYROGLUTAMIC ACIDURIA; 5-Oxoprolinuria; Reduced glutathione synthetase level; Gluthathione synthetase deficiency; 5-OXOPROLINURIA DUE TO GLUTATHIONE SYNTHETASE DEFICIENCY. Identifiers: Orphanet 289846, MedGen C0398746, MONDO:0009947, OMIM 266130, HP:0003343.

Submission:

Labcorp Genetics (formerly Invitae), Labcorp
Classification: Pathogenic for Glutathione synthetase deficiency with 5-oxoprolinuria. Last evaluated: 2023-07-17. Review status: criteria provided, single submitter. Criteria: Invitae Variant Classification Sherloc (09022015). Collection method: clinical testing. Allele origin: germline.
Comment: For these reasons, this variant has been classified as Pathogenic. Algorithms developed to predict the effect of sequence changes on RNA splicing suggest that this variant may disrupt the consensus splice site. This variant has not been reported in the literature in individuals affected with GSS-related conditions. This variant is not present in population databases (gnomAD no frequency). This sequence change creates a premature translational stop signal (p.Gln109*) in the GSS gene. It is expected to result in an absent or disrupted protein product. Loss-of-function variants in GSS are known to be pathogenic (PMID: 12638941, 15717202).

Literature cited by the submitters: PubMed 12638941; PubMed 15717202.

NM_000178.4(GSS):c.325C>T (p.Gln109Ter)

Gene: GSS (glutathione synthetase; minus strand). Cytogenetic location: 20q11.22.
Variant type: single nucleotide variant.
Coding change: c.325C>T on transcript NM_000178.4 (MANE Select); coding-DNA position 325, C replaced by T.
Protein change: p.Gln109Ter; replaces glutamine 109 with a stop codon.
Molecular consequence: nonsense.
Genome position (GRCh38, 1-based): chr20:34,942,957, G>A on the plus strand (C>T on the coding strand, the complement: GSS is on the minus strand). VCF-style: chr20-34942957-G-A. GRCh37 (hg19) VCF-style: chr20-33530760-G-A.
Other names: c.325C>T, p.Gln109Ter (NM_001322494.1, NM_001322495.1); short protein forms Q109*.
Identifiers: ClinVar variation 2716943 (VCV002716943.3), dbSNP rs2519033349, ClinGen allele CA408704847.